The following is an entry in ClinVar:

NM_000384.3(APOB):c.5117C>G (p.Thr1706Arg)

Gene: APOB (apolipoprotein B; minus strand). Cytogenetic location: 2p24.1.
Variant type: single nucleotide variant.
Coding change: c.5117C>G on transcript NM_000384.3 (MANE Select); coding-DNA position 5117, C replaced by G.
Protein change: p.Thr1706Arg; replaces threonine 1706 with arginine.
Molecular consequence: missense variant.
Genome position (GRCh38, 1-based): chr2:21,011,751, G>C on the plus strand (C>G on the coding strand, the complement: APOB is on the minus strand). VCF-style: chr2-21011751-G-C. GRCh37 (hg19) VCF-style: chr2-21234623-G-C.
Other names: short protein forms T1706R.
Identifiers: ClinVar variation 3415659 (VCV003415659.1).

ClinVar aggregate classification (germline): Uncertain significance (1 of 4 stars; one submission).

Conditions:
Cardiovascular phenotype. Identifiers: MedGen CN230736.

gnomAD v4.1: 1 of 1,613,990 alleles (0.000062%); highest among the groups gnomAD compares: Non-Finnish European, 0.000085%; no homozygotes.

Submission:

Ambry Genetics
Classification: Uncertain significance for Cardiovascular phenotype. Last evaluated: 2024-07-31. Review status: criteria provided, single submitter. Criteria: Ambry Variant Classification Scheme 2023. Collection method: clinical testing. Allele origin: germline.
Comment: The p.T1706R variant (also known as c.5117C>G), located in coding exon 26 of the APOB gene, results from a C to G substitution at nucleotide position 5117. The threonine at codon 1706 is replaced by arginine, an amino acid with similar properties. This amino acid position is conserved. In addition, this alteration is predicted to be tolerated by in silico analysis. Based on the available evidence, the clinical significance of this variant remains unclear.